The following is an entry in ClinVar:

ClinVar aggregate classification (germline): Uncertain significance (1 of 4 stars; one submission).

Conditions:
Mucopolysaccharidosis, MPS-III-B (MPS3B). Also called: N-ACETYL-ALPHA-D-GLUCOSAMINIDASE DEFICIENCY; NAGLU DEFICIENCY; SANFILIPPO SYNDROME B; MPS III B; Mucopolysaccharidosis type IIIB (Sanfilippo B); MPS IIIB (Sanfilippo Syndrome Type B). Identifiers: Orphanet 79270, MedGen C0086648, MONDO:0009656, OMIM 252920.
Charcot-Marie-Tooth disease axonal type 2V. Also called: CHARCOT-MARIE-TOOTH NEUROPATHY, TYPE 2V; CHARCOT-MARIE-TOOTH DISEASE, AXONAL, AUTOSOMAL DOMINANT, TYPE 2V. Identifiers: Orphanet 447964, MedGen C5569050, MONDO:0014665, OMIM 616491.

Submission:

Labcorp Genetics (formerly Invitae), Labcorp
Classification: Uncertain significance for Charcot-Marie-Tooth disease axonal type 2V; Mucopolysaccharidosis, MPS-III-B. Last evaluated: 2022-11-01. Review status: criteria provided, single submitter. Criteria: Invitae Variant Classification Sherloc (09022015). Collection method: clinical testing. Allele origin: germline.
Comment: In summary, the available evidence is currently insufficient to determine the role of this variant in disease. Therefore, it has been classified as a Variant of Uncertain Significance. Advanced modeling of protein sequence and biophysical properties (such as structural, functional, and spatial information, amino acid conservation, physicochemical variation, residue mobility, and thermodynamic stability) performed at Invitae indicates that this missense variant is expected to disrupt NAGLU protein function. This variant has not been reported in the literature in individuals affected with NAGLU-related conditions. This variant is not present in population databases (gnomAD no frequency). This sequence change replaces glycine, which is neutral and non-polar, with glutamic acid, which is acidic and polar, at codon 491 of the NAGLU protein (p.Gly491Glu).

NM_000263.4(NAGLU):c.1472G>A (p.Gly491Glu)

Gene: NAGLU (N-acetyl-alpha-glucosaminidase; plus strand). Cytogenetic location: 17q21.2.
Variant type: single nucleotide variant.
Coding change: c.1472G>A on transcript NM_000263.4 (MANE Select); coding-DNA position 1472, G replaced by A.
Protein change: p.Gly491Glu; replaces glycine 491 with glutamic acid.
Molecular consequence: missense variant.
Genome position (GRCh38, 1-based): chr17:42,543,478, G>A. VCF-style: chr17-42543478-G-A. GRCh37 (hg19) VCF-style: chr17-40695496-G-A.
Other names: short protein forms G491E.
Identifiers: ClinVar variation 1966155 (VCV001966155.5), dbSNP rs771970841, ClinGen allele CA399603917.